The following is an entry in ClinVar:

NM_000368.5(TSC1):c.1415G>C (p.Ser472Thr)

Gene: TSC1 (TSC complex subunit 1; minus strand). Cytogenetic location: 9q34.13.
Variant type: single nucleotide variant.
Coding change: c.1415G>C on transcript NM_000368.5 (MANE Select); coding-DNA position 1415, G replaced by C.
Protein change: p.Ser472Thr; replaces serine 472 with threonine.
Molecular consequence: missense variant.
Genome position (GRCh38, 1-based): chr9:132,906,754, C>G on the plus strand (G>C on the coding strand, the complement: TSC1 is on the minus strand). VCF-style: chr9-132906754-C-G. GRCh37 (hg19) VCF-style: chr9-135782141-C-G.
Other names: c.1412G>C, p.Ser471Thr (NM_001162426.2); c.1262G>C, p.Ser421Thr (NM_001162427.2); c.1052G>C, p.Ser351Thr (NM_001362177.2); short protein forms S472T, S471T, S351T, S421T.
Identifiers: ClinVar variation 566341 (VCV000566341.13), dbSNP rs1203620977, ClinGen allele CA375365837.

ClinVar aggregate classification (germline): Uncertain significance. Review status: criteria provided, multiple submitters, no conflicts (2 of 4 stars). 2 submissions from 2 submitters: Uncertain significance (2). Last evaluated 2024-10-09.

Conditions:
Tuberous sclerosis 1 (TSC1). Identifiers: Orphanet 805, MedGen C1854465, MONDO:0008612, OMIM 191100.
Hereditary cancer-predisposing syndrome. Also called: Neoplastic Syndromes, Hereditary; Tumor predisposition; Hereditary Cancer Syndrome; Hereditary neoplastic syndrome. Identifiers: Orphanet 140162, MedGen C0027672, MeSH D009386, MONDO:0015356.

Submissions (2):

Ambry Genetics
Classification: Uncertain significance for Hereditary cancer-predisposing syndrome. Last evaluated: 2024-10-09. Review status: criteria provided, single submitter. Criteria: Ambry Variant Classification Scheme 2023. Collection method: clinical testing. Allele origin: germline.
Comment: The p.S472T variant (also known as c.1415G>C), located in coding exon 12 of the TSC1 gene, results from a G to C substitution at nucleotide position 1415. The serine at codon 472 is replaced by threonine, an amino acid with similar properties. This amino acid position is highly conserved in available vertebrate species. In addition, the in silico prediction for this alteration is inconclusive. Based on the available evidence, the clinical significance of this variant remains unclear.

Labcorp Genetics (formerly Invitae), Labcorp
Classification: Uncertain significance for Tuberous sclerosis 1. Last evaluated: 2024-05-06. Review status: criteria provided, single submitter. Criteria: Invitae Variant Classification Sherloc (09022015). Collection method: clinical testing. Allele origin: germline.
Comment: This sequence change replaces serine, which is neutral and polar, with threonine, which is neutral and polar, at codon 472 of the TSC1 protein (p.Ser472Thr). This variant is not present in population databases (gnomAD no frequency). This variant has not been reported in the literature in individuals affected with TSC1-related conditions. ClinVar contains an entry for this variant (Variation ID: 566341). Advanced modeling of protein sequence and biophysical properties (such as structural, functional, and spatial information, amino acid conservation, physicochemical variation, residue mobility, and thermodynamic stability) performed at Invitae indicates that this missense variant is not expected to disrupt TSC1 protein function with a negative predictive value of 95%. In summary, the available evidence is currently insufficient to determine the role of this variant in disease. Therefore, it has been classified as a Variant of Uncertain Significance.